The following is an entry in ClinVar:

ClinVar aggregate classification (germline): Uncertain significance. Review status: criteria provided, multiple submitters, no conflicts (2 of 4 stars). 2 submissions from 2 submitters: Uncertain significance (2). Last evaluated 2025-10-25.

Conditions:
Prolidase deficiency. Identifiers: Orphanet 742, MedGen C0268532, MONDO:0008221, OMIM 170100.

Allele frequency attached by ClinVar (database versions not stated): TOPMed 0.00007; gnomAD 0.00012 and 0.00013; gnomAD exomes 0.00014 and 0.00020; 1000 Genomes Project 0.00020; ESP Exome Variant Server 0.00024; ExAC 0.00025; 1000 Genomes Project 30x 0.00031.
gnomAD v4.1: 303 of 1,608,724 alleles (0.019%); highest among the groups gnomAD compares: Non-Finnish European, 0.025%; no homozygotes.

Submissions (2):

Labcorp Genetics (formerly Invitae), Labcorp
Classification: Uncertain significance. Last evaluated: 2025-10-25. Review status: criteria provided, single submitter. Criteria: Invitae Variant Classification Sherloc (09022015). Collection method: clinical testing. Allele origin: germline.
Comment: This sequence change replaces glycine, which is neutral and non-polar, with glutamic acid, which is acidic and polar, at codon 360 of the PEPD protein (p.Gly360Glu). This variant is present in population databases (rs201089253, gnomAD 0.03%). This variant has not been reported in the literature in individuals affected with PEPD-related conditions. ClinVar contains an entry for this variant (Variation ID: 889198). Invitae Evidence Modeling of protein sequence and biophysical properties (such as structural, functional, and spatial information, amino acid conservation, physicochemical variation, residue mobility, and thermodynamic stability) has been performed for this missense variant. However, the output from this modeling did not meet the statistical confidence thresholds required to predict the impact of this variant on PEPD protein function. In summary, the available evidence is currently insufficient to determine the role of this variant in disease. Therefore, it has been classified as a Variant of Uncertain Significance.

Illumina Laboratory Services, Illumina
Classification: Uncertain significance for Prolidase deficiency. Last evaluated: 2018-01-12. Review status: criteria provided, single submitter. Criteria: ICSL Variant Classification Criteria 13 December 2019. Collection method: clinical testing. Allele origin: germline.

NM_000285.4(PEPD):c.1079G>A (p.Gly360Glu)

Gene: PEPD (peptidase D; minus strand). Cytogenetic location: 19q13.11.
Variant type: single nucleotide variant.
Coding change: c.1079G>A on transcript NM_000285.4 (MANE Select); coding-DNA position 1079, G replaced by A.
Protein change: p.Gly360Glu; replaces glycine 360 with glutamic acid.
Molecular consequence: missense variant.
Genome position (GRCh38, 1-based): chr19:33,391,368, C>T on the plus strand (G>A on the coding strand, the complement: PEPD is on the minus strand). VCF-style: chr19-33391368-C-T. GRCh37 (hg19) VCF-style: chr19-33882274-C-T.
Other names: c.956G>A, p.Gly319Glu (NM_001166056.2); c.887G>A, p.Gly296Glu (NM_001166057.2); short protein forms G360E, G296E, G319E.
Identifiers: ClinVar variation 889198 (VCV000889198.9), dbSNP rs201089253, ClinGen allele CA9364016.
Genomic context (GRCh38, chr19:33,391,368, plus strand): 5'-CCCACGTCGTGCACGTCAATGCCCAGGAAGTGGCCAAGCCCGTGAGGCATAAACACGGCC[C>T]CCAGGTGAGCCTGGACCATGGCGTCCACGCTGCCGCTCAGGATGCCCATGTGGGCCAGCT-3'
Protein context (NP_000276.2, residues 350-370): SVDAMVQAHL[Gly360Glu]AVFMPHGLGH